The following is an entry in ClinVar:

NM_000824.5(GLRB):c.37A>G (p.Ile13Val)

Gene: GLRB (glycine receptor beta; plus strand). Cytogenetic location: 4q32.1.
Variant type: single nucleotide variant.
Coding change: c.37A>G on transcript NM_000824.5 (MANE Select); coding-DNA position 37, A replaced by G.
Protein change: p.Ile13Val; replaces isoleucine 13 with valine.
Molecular consequence: missense variant.
Genome position (GRCh38, 1-based): chr4:157,078,061, A>G. VCF-style: chr4-157078061-A-G. GRCh37 (hg19) VCF-style: chr4-157999213-A-G.
Other names: c.37A>G, p.Ile13Val (NM_001166060.2, NM_001166061.2); short protein forms I13V.
Identifiers: ClinVar variation 901767 (VCV000901767.8), dbSNP rs771937343, ClinGen allele CA3119638.

ClinVar aggregate classification (germline): Uncertain significance. Review status: criteria provided, multiple submitters, no conflicts (2 of 4 stars). 2 submissions from 2 submitters: Uncertain significance (2). Last evaluated 2022-08-22.

Conditions:
Hyperekplexia 2 (HKPX2). Identifiers: Orphanet 3197, MedGen C3553291, MONDO:0013828, OMIM 614619.

Allele frequency attached by ClinVar (database versions not stated): ExAC 0.00003; gnomAD 0.00003; TOPMed 0.00003; gnomAD exomes 0.00004.
gnomAD v4.1: 65 of 1,611,404 alleles (0.004%); highest among the groups gnomAD compares: Non-Finnish European, 0.0053%; no homozygotes.

Submissions (2):

Labcorp Genetics (formerly Invitae), Labcorp
Classification: Uncertain significance for Hyperekplexia 2. Last evaluated: 2022-08-22. Review status: criteria provided, single submitter. Criteria: Invitae Variant Classification Sherloc (09022015). Collection method: clinical testing. Allele origin: germline.
Comment: This sequence change replaces isoleucine, which is neutral and non-polar, with valine, which is neutral and non-polar, at codon 13 of the GLRB protein (p.Ile13Val). This variant is present in population databases (rs771937343, gnomAD 0.009%). This variant has not been reported in the literature in individuals affected with GLRB-related conditions. ClinVar contains an entry for this variant (Variation ID: 901767). Advanced modeling of protein sequence and biophysical properties (such as structural, functional, and spatial information, amino acid conservation, physicochemical variation, residue mobility, and thermodynamic stability) performed at Invitae indicates that this missense variant is not expected to disrupt GLRB protein function. Algorithms developed to predict the effect of sequence changes on RNA splicing suggest that this variant may create or strengthen a splice site. In summary, the available evidence is currently insufficient to determine the role of this variant in disease. Therefore, it has been classified as a Variant of Uncertain Significance.

Illumina Laboratory Services, Illumina
Classification: Uncertain significance for Hyperekplexia 2. Last evaluated: 2018-01-13. Review status: criteria provided, single submitter. Criteria: ICSL Variant Classification Criteria 13 December 2019. Collection method: clinical testing. Allele origin: germline.